The following is an entry in ClinVar:

NM_000051.4(ATM):c.2467-1G>A

Gene: ATM (ATM serine/threonine kinase; plus strand). Cytogenetic location: 11q22.3.
Variant type: single nucleotide variant.
Coding change: c.2467-1G>A on transcript NM_000051.4 (MANE Select); the canonical splice acceptor site of the intron before coding-DNA position 2467, G replaced by A.
Molecular consequence: splice acceptor variant.
Genome position (GRCh38, 1-based): chr11:108,267,170, G>A. VCF-style: chr11-108267170-G-A. GRCh37 (hg19) VCF-style: chr11-108137897-G-A.
Other names: c.2467-1G>A (NM_001351834.2).
Identifiers: ClinVar variation 453416 (VCV000453416.14), dbSNP rs1328985852, ClinGen allele CA382543080.
Genomic context (GRCh38, chr11:108,267,170, plus strand): 5'-TTGACTACAGCATGCTCCTGCAAGAAGCCATCTTGAACATCTTTGTTTCTCTTCCTTGAA[G>A]GCATCCTTCATCAAAAAGCCATTTGACCGTGGAGAAGTAGAATCAATGGAAGATGATACT-3'

ClinVar aggregate classification (germline): Likely pathogenic. Review status: criteria provided, multiple submitters, no conflicts (2 of 4 stars). 7 submissions from 7 submitters: Likely pathogenic (7). Last evaluated 2025-09-26.

Conditions:
Hereditary cancer-predisposing syndrome. Also called: Tumor predisposition; Hereditary Cancer Syndrome; Neoplastic Syndromes, Hereditary; Hereditary neoplastic syndrome. Identifiers: Orphanet 140162, MedGen C0027672, MeSH D009386, MONDO:0015356.
Familial cancer of breast. Also called: Hereditary breast cancer; hereditary breast carcinoma; BREAST CANCER, FAMILIAL. Identifiers: Orphanet 227535, MedGen C0346153, MONDO:0016419, OMIM 114480. Disease mechanism: loss of function.
Ataxia-telangiectasia syndrome (AT). Also called: Cerebello-oculocutaneous telangiectasia; Immunodeficiency with ataxia telangiectasia; Ataxia-telangiectasia, complementation group D; AT, COMPLEMENTATION GROUP C; Ataxia-telangiectasia, complementation group E; LOUIS-BAR SYNDROME. Identifiers: Orphanet 100, MedGen C0004135, MONDO:0008840, OMIM 208900.
Malignant tumor of breast. Also called: Malignant breast neoplasm; Cancer breast. Identifiers: MedGen C0006142, MONDO:0007254. Disease mechanism: loss of function.

Allele frequency attached by ClinVar (database versions not stated): gnomAD exomes below 0.00001.
gnomAD v4.1: 2 of 1,613,848 alleles (0.00012%); highest among the groups gnomAD compares: Admixed American, 0.0017%; no homozygotes.

Submissions (7):

Ambry Genetics
Classification: Likely pathogenic for Hereditary cancer-predisposing syndrome. Last evaluated: 2025-09-26. Review status: criteria provided, single submitter. Criteria: Ambry Variant Classification Scheme 2023. Collection method: clinical testing. Allele origin: germline.
Comment: The c.2467-1G>A intronic variant results from a G to A substitution one nucleotide upstream from coding exon 16 of the ATM gene. This variant is considered to be rare based on population cohorts in the Genome Aggregation Database (gnomAD). This nucleotide position is highly conserved in available vertebrate species. In silico splice site analysis predicts that this alteration will weaken the native splice acceptor site and will result in the creation or strengthening of a novel splice acceptor site. Alterations that disrupt the canonical splice site are expected to cause aberrant splicing, resulting in an abnormal protein or a transcript that is subject to nonsense-mediated mRNA decay. As such, this alteration is classified as likely pathogenic.

Labcorp Genetics (formerly Invitae), Labcorp
Classification: Likely pathogenic for Ataxia-telangiectasia syndrome. Last evaluated: 2025-09-20. Review status: criteria provided, single submitter. Criteria: Invitae Variant Classification Sherloc (09022015). Collection method: clinical testing. Allele origin: germline.
Comment: This sequence change affects an acceptor splice site in intron 16 of the ATM gene. RNA analysis indicates that disruption of this splice site induces altered splicing and may result in an absent or altered protein product. This variant is present in population databases (no rsID available, gnomAD 0.003%). This variant has not been reported in the literature in individuals affected with ATM-related conditions. ClinVar contains an entry for this variant (Variation ID: 453416). Studies have shown that disruption of this splice site results in activation of a cryptic splice site, and produces a non-functional protein and/or introduces a premature termination codon (internal data). In summary, the currently available evidence indicates that the variant is pathogenic, but additional data are needed to prove that conclusively. Therefore, this variant has been classified as Likely Pathogenic.

Natera, Inc.
Classification: Likely pathogenic for Ataxia-telangiectasia. Last evaluated: 2025-08-14. Review status: criteria provided, single submitter. Criteria: Natera Variant Classification Schema (03/2026). Collection method: clinical testing. Allele origin: germline.
Comment: The c.2467-1G>A variant in ATM is a canonical splice acceptor site variant predicted to affect pre-mRNA splicing, which may result in an abnormal transcript and altered protein product. This variant is expected to result in nonsense mediated decay, truncation, or a dysfunctional protein product. This variant is rare in the general population with a frequency below the threshold expected for the associated phenotype(s). Given the available evidence, this variant is classified as Likely Pathogenic.

Myriad Genetics, Inc.
Classification: Likely pathogenic for Familial cancer of breast. Last evaluated: 2025-04-21. Review status: criteria provided, single submitter. Criteria: Myriad Autosomal Dominant, Autosomal Recessive and X-Linked Classification Criteria (2023). Collection method: clinical testing. Allele origin: unknown.
Comment: This variant is considered likely pathogenic. This variant occurs within a consensus splice junction and is predicted to result in abnormal mRNA splicing of either an out-of-frame exon or an in-frame exon necessary for protein stability and/or normal function.

Baylor Genetics
Classification: Likely pathogenic for Familial cancer of breast. Last evaluated: 2023-03-07. Review status: criteria provided, single submitter. Criteria: ACMG Guidelines, 2015. Collection method: clinical testing. Allele origin: unknown.

GeneDx
Classification: Likely pathogenic. Last evaluated: 2022-10-27. Review status: criteria provided, single submitter. Criteria: GeneDx Variant Classification Process June 2021. Collection method: clinical testing. Allele origin: germline. Affected: yes.
Comment: Canonical splice site variant predicted to result in a null allele in a gene for which loss of function is a known mechanism of disease; Not observed at significant frequency in large population cohorts (gnomAD); Has not been previously published as pathogenic or benign to our knowledge

Women's Health and Genetics/Laboratory Corporation of America, LabCorp
Classification: Likely pathogenic for breast cancer. Last evaluated: 2020-09-28. Review status: criteria provided, single submitter. Criteria: LabCorp Variant Classification Summary - May 2015. Collection method: clinical testing. Allele origin: germline.
Comment: Variant summary: ATM c.2467-1G>A is located in a canonical splice-site and is predicted to affect mRNA splicing resulting in a significantly altered protein due to either exon skipping, shortening, or inclusion of intronic material. Several computational tools predict a significant impact on normal splicing: Four predict the variant abolishes a canonical 3 acceptor site. Four predict the variant creates a 3 acceptor site. However, these predictions have yet to be confirmed by functional studies. The variant allele was found at a frequency of 4e-06 in 251164 control chromosomes (gnomAD). To our knowledge, no occurrence of c.2467-1G>A in individuals affected with Breast Cancer and no experimental evidence demonstrating its impact on protein function have been reported. One ClinVar submitter (evaluation after 2014) cites the variant as likely pathogenic. Based on the evidence outlined above, the variant was classified as likely pathogenic.

Literature cited by the submitters: PubMed 17001642 (cited by Women's Health and Genetics/Laboratory Corporation of America, LabCorp).